The following is an entry in ClinVar:

NM_001318734.2(KLC2):c.509A>G (p.Asn170Ser)

Genes: KLC2 (kinesin light chain 2; plus strand), KLC2-AS1 (KLC2 antisense RNA 1; minus strand). Cytogenetic location: 11q13.2.
Variant type: single nucleotide variant.
Coding change: c.509A>G on transcript NM_001318734.2 (MANE Select); coding-DNA position 509, A replaced by G.
Protein change: p.Asn170Ser; replaces asparagine 170 with serine.
Molecular consequence: missense variant.
Genome position (GRCh38, 1-based): chr11:66,262,172, A>G. VCF-style: chr11-66262172-A-G. GRCh37 (hg19) VCF-style: chr11-66029643-A-G.
Other names: c.278A>G, p.Asn93Ser (NM_001134774.2); c.509A>G, p.Asn170Ser (NM_001134775.2, NM_001134776.2, NM_022822.3); c.509A>G (NM_001134775.1); c.278A>G (NM_001134774.1); short protein forms N170S, N93S.
Identifiers: ClinVar variation 2895041 (VCV002895041.6), dbSNP rs61729298, ClinGen allele CA6117105.

ClinVar aggregate classification (germline): Uncertain significance. Review status: criteria provided, multiple submitters, no conflicts (2 of 4 stars). 3 submissions from 3 submitters: Uncertain significance (2). 1 of the submissions does not count toward it. Last evaluated 2025-04-07.

Conditions:
KLC2-related disorder. Also called: KLC2-related condition.

Allele frequency attached by ClinVar (database versions not stated): ExAC 0.00006; gnomAD 0.00006; TOPMed 0.00006; ESP Exome Variant Server 0.00008.
gnomAD v4.1: 83 of 1,613,344 alleles (0.0051%); highest among the groups gnomAD compares: Middle Eastern, 0.018%; no homozygotes.

Submissions (4):

Ambry Genetics
Classification: Uncertain significance. Last evaluated: 2025-04-07. Review status: criteria provided, single submitter. Criteria: Ambry Variant Classification Scheme 2023. Collection method: clinical testing. Allele origin: germline.

Labcorp Genetics (formerly Invitae), Labcorp
Classification: Uncertain significance. Last evaluated: 2023-03-12. Review status: criteria provided, single submitter. Criteria: Invitae Variant Classification Sherloc (09022015). Collection method: clinical testing. Allele origin: germline.
Comment: This sequence change replaces asparagine, which is neutral and polar, with serine, which is neutral and polar, at codon 170 of the KLC2 protein (p.Asn170Ser). This variant is present in population databases (rs61729298, gnomAD 0.01%). This variant has not been reported in the literature in individuals affected with KLC2-related conditions. Algorithms developed to predict the effect of missense changes on protein structure and function output the following: SIFT: "Not Available"; PolyPhen-2: "Benign"; Align-GVGD: "Not Available". The serine amino acid residue is found in multiple mammalian species, which suggests that this missense change does not adversely affect protein function. In summary, the available evidence is currently insufficient to determine the role of this variant in disease. Therefore, it has been classified as a Variant of Uncertain Significance.

PreventionGenetics, part of Exact Sciences
Classification: Uncertain significance for KLC2-related condition. Last evaluated: 2024-08-21. Review status: no assertion criteria provided. Collection method: clinical testing. Allele origin: germline. Not counted in ClinVar's aggregate classification.
Comment: The KLC2 c.278A>G variant is predicted to result in the amino acid substitution p.Asn93Ser. To our knowledge, this variant has not been reported in the literature. This variant is reported in 0.014% of alleles in individuals of Latino descent in gnomAD. At this time, the clinical significance of this variant is uncertain due to the absence of conclusive functional and genetic evidence.

Dr. Peter K. Rogan Lab, Western University
No classification provided (evidence only). Condition: Malignant lymphoma, large B-cell, diffuse. Review status: no classification provided. Collection method: in vitro. Allele origin: not applicable. Functional consequence: skipped exon, retained intron. Not counted in ClinVar's aggregate classification.